The following is an entry in ClinVar:

NM_018897.3(DNAH7):c.1588C>T (p.Gln530Ter)

Gene: DNAH7 (dynein axonemal heavy chain 7; minus strand). Cytogenetic location: 2q32.3.
Variant type: single nucleotide variant.
Coding change: c.1588C>T on transcript NM_018897.3 (MANE Select); coding-DNA position 1588, C replaced by T.
Protein change: p.Gln530Ter; replaces glutamine 530 with a stop codon.
Molecular consequence: nonsense.
Genome position (GRCh38, 1-based): chr2:195,987,995, G>A on the plus strand (C>T on the coding strand, the complement: DNAH7 is on the minus strand). VCF-style: chr2-195987995-G-A. GRCh37 (hg19) VCF-style: chr2-196852719-G-A.
Other names: short protein forms Q530*.
Identifiers: ClinVar variation 4850487 (VCV004850487.1).
Genomic context (GRCh38, chr2:195,987,995, plus strand): 5'-GCACAAAACTGGAGTCATTTACCTTTATGGATGTGTACTGTATTTCCTCTATTAGTTTCT[G>A]GTATTTGCAAATTTCATCTATTATTTTTTCATAACTATGATTTTCTGCGAGGAAGTTATC-3'

ClinVar aggregate classification (germline): Likely pathogenic (1 of 4 stars; one submission).

Conditions:
Ciliary dyskinesia, primary, 50 (CILD50). Identifiers: MedGen C5830473, MONDO:0957252, OMIM 620356.

gnomAD v4.1: 59 of 1,612,284 alleles (0.0037%); highest among the groups gnomAD compares: South Asian, 0.032%; no homozygotes.

Submission:

First Genomix Gene Laboratory, Genetic Diagnostics Department
Classification: Likely pathogenic for Ciliary dyskinesia, primary, 50. Last evaluated: 2025-08-26. Review status: criteria provided, single submitter. Criteria: ACMG Guidelines, 2015. Collection method: clinical testing. Allele origin: germline. Inheritance: Autosomal recessive inheritance. Affected: no. Observed: 1 variant allele.